The following is an entry in ClinVar:

ClinVar aggregate classification (germline): Pathogenic (1 of 4 stars; one submission).

Submission:

GeneDx
Classification: Pathogenic. Last evaluated: 2018-04-03. Review status: criteria provided, single submitter. Criteria: GeneDx Variant Classification (06012015). Collection method: clinical testing. Allele origin: germline. Affected: yes.
Comment: The c.837dupC variant in the COL18A1 gene has not been reported previously as a pathogenic variant nor as a benign variant, to our knowledge. The c.837dupC variant causes a frameshift starting with codon Valine 280, changes this amino acid to a Arginine residue, and creates a premature Stop codon at position 18 of the new reading frame, denoted p.Val280ArgfsX18. This variant is predicted to cause loss of normal protein function either through protein truncation or nonsense-mediated mRNA decay. The c.837dupC variant is not observed at a significant frequency in large population cohorts (Lek et al., 2016). We interpret c.837dupC as a pathogenic variant.

NM_001379500.1(COL18A1):c.837dup (p.Val280fs)

Gene: COL18A1 (collagen type XVIII alpha 1 chain; plus strand). Cytogenetic location: 21q22.3.
Variant type: Duplication.
Coding change: c.837dup on transcript NM_001379500.1 (MANE Select); coding-DNA position 837, one base duplicated (C; older notation c.837dupC).
Protein change: p.Val280fs; shifts the reading frame from valine 280.
Molecular consequence: frameshift variant.
Genome position (GRCh38, 1-based): chr21:45,476,389, C duplicated; the last of 6 consecutive C bases (chr21:45,476,384-45,476,389); duplicating any one gives the same sequence. VCF-style (leftmost placement, unchanged base first): chr21-45476383-A-AC. GRCh37 (hg19) VCF-style: chr21-46896297-A-AC.
Other names: NM_130445.2:c.837dupC; c.1377dup, p.Val460fs (NM_030582.4); c.2082dup, p.Val695fs (NM_130444.3); short protein forms V695fs, V460fs, V280fs.
Identifiers: ClinVar variation 524047 (VCV000524047.2), dbSNP rs760175310, ClinGen allele CA10065952.